The following is an entry in ClinVar:

NM_003640.5(ELP1):c.8_9del (p.Asn3fs)

Gene: ELP1 (elongator acetyltransferase complex subunit 1; minus strand). Cytogenetic location: 9q31.3.
Variant type: Deletion.
Coding change: c.8_9del on transcript NM_003640.5 (MANE Select); coding-DNA positions 8 to 9, 2 bases deleted (AT; older notation c.8_9delAT).
Protein change: p.Asn3fs; shifts the reading frame from asparagine 3.
Molecular consequence: frameshift variant. On other transcripts: 5 prime UTR variant (1), intron variant (1).
Genome position (GRCh38, 1-based): chr9:108,931,138-108,931,139, AT deleted on the plus strand (AT on the coding strand, the reverse complement: ELP1 is on the minus strand). VCF-style (leftmost placement, unchanged base first): chr9-108931137-GAT-G. GRCh37 (hg19) VCF-style: chr9-111693417-GAT-G.
Other names: c.-852_-851del (NM_001330749.2); c.-252-83_-252-82del (NM_001318360.2); short protein forms N3fs.
Identifiers: ClinVar variation 4081645 (VCV004081645.1).

ClinVar aggregate classification (germline): Pathogenic (1 of 4 stars; one submission).

Conditions:
Familial dysautonomia. Also called: HSAN III; FD. Identifiers: Orphanet 1764, MedGen C0013364, MONDO:0009131, OMIM 223900. Disease mechanism: loss of function.

Submission:

Myriad Genetics, Inc.
Classification: Pathogenic for Familial dysautonomia. Last evaluated: 2025-06-18. Review status: criteria provided, single submitter. Criteria: Myriad Autosomal Dominant, Autosomal Recessive and X-Linked Classification Criteria (2023). Collection method: clinical testing. Allele origin: unknown.
Comment: NM_003640.3(ELP1):c.8_9delAT(N3Tfs*26) is a frameshift variant classified as pathogenic in the context of familial dysautonomia. N3Tfs*26 has not been observed in case with relevant disease. Relevant functional assessments of this variant are not available in the literature. N3Tfs*26 has not been observed in referenced population frequency databases. In summary, NM_003640.3(ELP1):c.8_9delAT(N3Tfs*26) is a frameshift variant in a gene where loss of function is a known mechanism of disease and is predicted to disrupt protein function. Please note: this variant was assessed in the context of healthy population screening.